The following is an entry in ClinVar:

NM_201384.3(PLEC):c.5798G>A (p.Ser1933Asn)

Gene: PLEC (plectin; minus strand). Cytogenetic location: 8q24.3.
Variant type: single nucleotide variant.
Coding change: c.5798G>A on transcript NM_201384.3 (MANE Select); coding-DNA position 5798, G replaced by A.
Protein change: p.Ser1933Asn; replaces serine 1933 with asparagine.
Molecular consequence: missense variant.
Genome position (GRCh38, 1-based): chr8:143,924,131, C>T on the plus strand (G>A on the coding strand, the complement: PLEC is on the minus strand). VCF-style: chr8-143924131-C-T. GRCh37 (hg19) VCF-style: chr8-144998299-C-T.
Other names: c.5879G>A (NM_000445.3); c.5879G>A, p.Ser1960Asn (NM_000445.5); c.5756G>A, p.Ser1919Asn (NM_201378.4); c.5732G>A, p.Ser1911Asn (NM_201379.3); c.6209G>A, p.Ser2070Asn (NM_201380.4); c.5702G>A, p.Ser1901Asn (NM_201381.3); c.5798G>A, p.Ser1933Asn (NM_201382.4); c.5810G>A, p.Ser1937Asn (NM_201383.3); short protein forms S1937N, S1911N, S1960N, S1933N, S2070N, S1901N, S1919N.
Identifiers: ClinVar variation 659854 (VCV000659854.10), dbSNP rs1288160719, ClinGen allele CA372541668.

ClinVar aggregate classification (germline): Uncertain significance. Review status: criteria provided, multiple submitters, no conflicts (2 of 4 stars). 2 submissions from 2 submitters: Uncertain significance (2). Last evaluated 2022-07-19.

Conditions:
Epidermolysis bullosa simplex, Ogna type (EBS5A). Also called: Pidermolysis bullosa simplex 5A, Ogna type; EPIDERMOLYSIS BULLOSA SIMPLEX 5A, OGNA TYPE. Identifiers: Orphanet 79401, MedGen C0432317, MONDO:0007555, OMIM 131950.
Autosomal recessive limb-girdle muscular dystrophy type 2Q (LGMDR17). Also called: MUSCULAR DYSTROPHY, LIMB-GIRDLE, AUTOSOMAL RECESSIVE 17. Identifiers: Orphanet 254361, MedGen C3150989, MONDO:0013390, OMIM 613723.
Epidermolysis bullosa simplex with nail dystrophy (EBS5D). Identifiers: MedGen C4225309, MONDO:0014661, OMIM 616487.
Epidermolysis bullosa simplex 5B, with muscular dystrophy (EBS5B). Also called: Epidermolysis bullosa simplex with muscular dystrophy; EPIDERMOLYSIS BULLOSA SIMPLEX AND LIMB-GIRDLE MUSCULAR DYSTROPHY. Identifiers: Orphanet 257, MedGen C2931072, MONDO:0009181, OMIM 226670.
Epidermolysis bullosa simplex 5C, with pyloric atresia (EBS5C). Also called: PLEC-Related Epidermolysis Bullosa with Pyloric Atresia; PLEC1-Related Epidermolysis Bullosa with Pyloric Atresia; Epidermolysis bullosa simplex with pyloric atresia. Identifiers: Orphanet 158684, MedGen C2677349, MONDO:0012807, OMIM 612138.

Allele frequency attached by ClinVar (database versions not stated): gnomAD 0.00001; TOPMed 0.00001.

Submissions (2):

Labcorp Genetics (formerly Invitae), Labcorp
Classification: Uncertain significance for Autosomal recessive limb-girdle muscular dystrophy type 2Q; Epidermolysis bullosa simplex, Ogna type; Epidermolysis bullosa simplex with nail dystrophy; Epidermolysis bullosa simplex 5C, with pyloric atresia; Epidermolysis bullosa simplex 5B, with muscular dystrophy. Last evaluated: 2022-07-19. Review status: criteria provided, single submitter. Criteria: Invitae Variant Classification Sherloc (09022015). Collection method: clinical testing. Allele origin: germline.
Comment: In summary, the available evidence is currently insufficient to determine the role of this variant in disease. Therefore, it has been classified as a Variant of Uncertain Significance. Algorithms developed to predict the effect of missense changes on protein structure and function output the following: SIFT: "Tolerated"; PolyPhen-2: "Not Available"; Align-GVGD: "Class C0". The asparagine amino acid residue is found in multiple mammalian species, which suggests that this missense change does not adversely affect protein function. ClinVar contains an entry for this variant (Variation ID: 659854). This variant has not been reported in the literature in individuals affected with PLEC-related conditions. This sequence change replaces serine, which is neutral and polar, with asparagine, which is neutral and polar, at codon 1960 of the PLEC protein (p.Ser1960Asn). This variant is not present in population databases (gnomAD no frequency).

Revvity Omics, Revvity
Classification: Uncertain significance. Last evaluated: 2019-01-25. Review status: criteria provided, single submitter. Criteria: ACMG Guidelines, 2015. Collection method: clinical testing. Allele origin: germline.